The following is an entry in ClinVar:

NM_001382.4(DPAGT1):c.644-10G>A

Gene: DPAGT1 (dolichyl-phosphate N-acetylglucosaminephosphotransferase 1; minus strand). Cytogenetic location: 11q23.3.
Variant type: single nucleotide variant.
Coding change: c.644-10G>A on transcript NM_001382.4 (MANE Select); 10 bases into the intron before coding-DNA position 644, G replaced by A.
Molecular consequence: intron variant.
Genome position (GRCh38, 1-based): chr11:119,098,497, C>T on the plus strand (G>A on the coding strand, the complement: DPAGT1 is on the minus strand). VCF-style: chr11-119098497-C-T. GRCh37 (hg19) VCF-style: chr11-118969207-C-T.
Identifiers: ClinVar variation 390401 (VCV000390401.13), dbSNP rs192269738, ClinGen allele CA6314570.

ClinVar aggregate classification (germline): Likely benign. Review status: criteria provided, multiple submitters, no conflicts (2 of 4 stars). 3 submissions from 3 submitters: Likely benign (3). Last evaluated 2026-03-04.

Conditions:
DPAGT1-related disorder. Also called: DPAGT1-related condition.
Congenital myasthenic syndrome 13 (CMS13). Also called: Myasthenic syndrome, congenital, 13, with tubular aggregates; Myasthenic syndrome, congenital, with tubular aggregates 2. Identifiers: Orphanet 353327, Orphanet 590, MedGen C3553645, MONDO:0013883, OMIM 614750.
DPAGT1-congenital disorder of glycosylation. Also called: CDG Ij; CONGENITAL DISORDER OF GLYCOSYLATION, TYPE Ij; DPAGT1-CDG. Identifiers: Orphanet 86309, MedGen C2931004, MONDO:0011964, OMIM 608093.

Allele frequency attached by ClinVar (database versions not stated): gnomAD 0.00005; TOPMed 0.00008; gnomAD exomes 0.00010 and 0.00023; 1000 Genomes Project 0.00020; ExAC 0.00020; 1000 Genomes Project 30x 0.00031.
gnomAD v4.1: 69 of 1,613,950 alleles (0.0043%); highest among the groups gnomAD compares: Admixed American, 0.11%; no homozygotes.

Submissions (3):

PreventionGenetics, part of Exact Sciences
Classification: Likely benign for DPAGT1-related condition. Last evaluated: 2026-03-04. Review status: criteria provided, single submitter. Criteria: ACMG Guidelines, 2015. Collection method: clinical testing. Allele origin: germline.
Comment: This variant is classified as likely benign based on ACMG/AMP sequence variant interpretation guidelines (Richards et al. 2015 PMID: 25741868, with internal and published modifications).

Labcorp Genetics (formerly Invitae), Labcorp
Classification: Likely benign for Congenital myasthenic syndrome 13; DPAGT1-congenital disorder of glycosylation. Last evaluated: 2026-01-07. Review status: criteria provided, single submitter. Criteria: Invitae Variant Classification Sherloc (09022015). Collection method: clinical testing. Allele origin: germline.

GeneDx
Classification: Likely benign. Last evaluated: 2016-11-08. Review status: criteria provided, single submitter. Criteria: GeneDx Variant Classification (06012015). Collection method: clinical testing. Allele origin: germline. Affected: yes.
Comment: This variant is considered likely benign or benign based on one or more of the following criteria: it is a conservative change, it occurs at a poorly conserved position in the protein, it is predicted to be benign by multiple in silico algorithms, and/or has population frequency not consistent with disease.